The following is an entry in ClinVar:

NM_182931.3(KMT2E):c.1257T>C (p.His419=)

Gene: KMT2E (lysine methyltransferase 2E (inactive); plus strand). Cytogenetic location: 7q22.3.
Variant type: single nucleotide variant.
Coding change: c.1257T>C on transcript NM_182931.3 (MANE Select); coding-DNA position 1257, T replaced by C.
Protein change: p.His419=; no amino-acid change (histidine 419 retained).
Molecular consequence: synonymous variant.
Genome position (GRCh38, 1-based): chr7:105,081,696, T>C. VCF-style: chr7-105081696-T-C. GRCh37 (hg19) VCF-style: chr7-104722143-T-C.
Other names: c.1257T>C, p.His419= (NM_001410908.1, NM_018682.4).
Identifiers: ClinVar variation 2041941 (VCV002041941.29), dbSNP rs151074690, ClinGen allele CA4423960.

ClinVar aggregate classification (germline): Benign/Likely benign. Review status: criteria provided, multiple submitters, no conflicts (2 of 4 stars). 3 submissions from 3 submitters: Benign (1); Likely benign (2). Last evaluated 2025-09-10.

Allele frequency attached by ClinVar (database versions not stated): ExAC 0.00075; gnomAD 0.00094; TOPMed 0.00095; ESP Exome Variant Server 0.00108; gnomAD exomes 0.00149.
gnomAD v4.1: 2,041 of 1,453,836 alleles (0.14%); highest among the groups gnomAD compares: Non-Finnish European, 0.19%; 1 homozygote.

Submissions (3):

Labcorp Genetics (formerly Invitae), Labcorp
Classification: Benign. Last evaluated: 2025-09-10. Review status: criteria provided, single submitter. Criteria: Invitae Variant Classification Sherloc (09022015). Collection method: clinical testing. Allele origin: germline.

Blueprint Genetics
Classification: Likely benign. Last evaluated: 2024-10-18. Review status: criteria provided, single submitter. Criteria: ACMG Guidelines, 2015. Collection method: clinical testing. Allele origin: germline.

CeGaT Center for Human Genetics Tuebingen
Classification: Likely benign. Last evaluated: 2023-04-01. Review status: criteria provided, single submitter. Criteria: CeGaT Center For Human Genetics Tuebingen Variant Classification Criteria Version 2. Collection method: clinical testing. Allele origin: germline. Affected: yes. Observed: 2 variant alleles.
Comment: KMT2E: BP4, BS1